The following is an entry in ClinVar:

ClinVar aggregate classification (germline): Pathogenic. Review status: criteria provided, multiple submitters, no conflicts (2 of 4 stars). 4 submissions from 4 submitters: Pathogenic (4). Last evaluated 2024-05-03.

Conditions:
Renal tubular acidosis with progressive nerve deafness. Also called: renal tubular acidosis, distal, 2, with progressive sensorineural hearing loss; Distal Renal Tubular Acidosis with Progressive Sensorineural Deafness; RENAL TUBULAR ACIDOSIS, AUTOSOMAL RECESSIVE, WITH PROGRESSIVE NERVE DEAFNESS; RTA WITH PROGRESSIVE NERVE DEAFNESS. Identifiers: MedGen C0403554, MONDO:0009968, OMIM 267300.

Submissions (4):

Fulgent Genetics
Classification: Pathogenic for Renal tubular acidosis with progressive nerve deafness. Last evaluated: 2024-05-03. Review status: criteria provided, single submitter. Criteria: ACMG Guidelines, 2015. Collection method: clinical testing. Allele origin: germline.

Labcorp Genetics (formerly Invitae), Labcorp
Classification: Pathogenic. Last evaluated: 2024-01-09. Review status: criteria provided, single submitter. Criteria: Invitae Variant Classification Sherloc (09022015). Collection method: clinical testing. Allele origin: germline.
Comment: This sequence change creates a premature translational stop signal (p.Leu12Alafs*5) in the ATP6V1B1 gene. It is expected to result in an absent or disrupted protein product. Loss-of-function variants in ATP6V1B1 are known to be pathogenic (PMID: 9916796, 18368028). This variant is not present in population databases (gnomAD no frequency). This premature translational stop signal has been observed in individual(s) with ATP6V1B1-related conditions (PMID: 28233610). ClinVar contains an entry for this variant (Variation ID: 1458122). Algorithms developed to predict the effect of sequence changes on RNA splicing suggest that this variant may disrupt the consensus splice site. For these reasons, this variant has been classified as Pathogenic.

Women's Health and Genetics/Laboratory Corporation of America, LabCorp
Classification: Pathogenic for Renal tubular acidosis with progressive nerve deafness. Last evaluated: 2023-03-30. Review status: criteria provided, single submitter. Criteria: LabCorp Variant Classification Summary - May 2015. Collection method: clinical testing. Allele origin: germline.
Comment: Variant summary: ATP6V1B1 c.33dupG (p.Leu12AlafsX5) results in a premature termination codon, predicted to cause a truncation of the encoded protein or absence of the protein due to nonsense mediated decay, which are commonly known mechanisms for disease. Truncations downstream of this position have been classified as pathogenic by our laboratory. The variant was absent in 250604 control chromosomes. c.33dupG has been reported in the literature in at least one individual affected with Renal Tubular Acidosis. These data do not allow any conclusion about variant significance. To our knowledge, no experimental evidence demonstrating an impact on protein function has been reported. One clinical diagnostic laboratory has submitted clinical-significance assessments for this variant to ClinVar after 2014 without evidence for independent evaluation and classified the variant as pathogenic. Based on the evidence outlined above, the variant was classified as pathogenic.

GeneDx
Classification: Pathogenic. Last evaluated: 2022-12-05. Review status: criteria provided, single submitter. Criteria: GeneDx Variant Classification Process June 2021. Collection method: clinical testing. Allele origin: germline. Affected: yes.
Comment: Frameshift variant predicted to result in protein truncation or nonsense mediated decay in a gene for which loss of function is a known mechanism of disease; Not observed at significant frequency in large population cohorts (gnomAD); This variant is associated with the following publications: (PMID: 28233610)

Literature cited by the submitters: PubMed 9916796 (cited by Labcorp Genetics (formerly Invitae), Labcorp); PubMed 18368028 (cited by Labcorp Genetics (formerly Invitae), Labcorp); PubMed 28233610 (cited by Labcorp Genetics (formerly Invitae), Labcorp and Women's Health and Genetics/Laboratory Corporation of America, LabCorp).

NM_001692.4(ATP6V1B1):c.33dup (p.Leu12fs)

Gene: ATP6V1B1 (ATPase H+ transporting V1 subunit B1; plus strand). Cytogenetic location: 2p13.3.
Variant type: Duplication.
Coding change: c.33dup on transcript NM_001692.4 (MANE Select); coding-DNA position 33, one base duplicated (G; older notation c.33dupG).
Protein change: p.Leu12fs; shifts the reading frame from leucine 12.
Molecular consequence: frameshift variant.
Genome position (GRCh38, 1-based): chr2:70,935,987, G duplicated; the last of 6 consecutive G bases (chr2:70,935,982-70,935,987); duplicating any one gives the same sequence. VCF-style (leftmost placement, unchanged base first): chr2-70935981-T-TG. GRCh37 (hg19) VCF-style: chr2-71163111-T-TG.
Other names: c.33dupG (NM_001692.3); c.33dup (NM_001692.3); short protein forms L12fs.
Identifiers: ClinVar variation 1458122 (VCV001458122.8), dbSNP rs1679840748, ClinGen allele CA2573135829.